The following is an entry in ClinVar:

NM_001369.3(DNAH5):c.12437C>T (p.Ser4146Phe)

Gene: DNAH5 (dynein axonemal heavy chain 5; minus strand). Cytogenetic location: 5p15.2.
Variant type: single nucleotide variant.
Coding change: c.12437C>T on transcript NM_001369.3 (MANE Select); coding-DNA position 12437, C replaced by T.
Protein change: p.Ser4146Phe; replaces serine 4146 with phenylalanine.
Molecular consequence: missense variant.
Genome position (GRCh38, 1-based): chr5:13,718,944, G>A on the plus strand (C>T on the coding strand, the complement: DNAH5 is on the minus strand). VCF-style: chr5-13718944-G-A. GRCh37 (hg19) VCF-style: chr5-13719053-G-A.
Other names: short protein forms S4146F.
Identifiers: ClinVar variation 1018306 (VCV001018306.15), dbSNP rs750170721, ClinGen allele CA3201639.
Genomic context (GRCh38, chr5:13,718,944, plus strand): 5'-CTATATGTTCTTTTCAGTCCTGCCCGGAGTCCTTGTGGAGGATCGTTGGCAAATTTAATG[G>A]ACATCTGAAGGAGTGTAATGGGAAACTGCTTATGAGCCTCGGTGGTCATCCAGAGGCGGA-3'
Protein context (NP_001360.1, residues 4136-4156): KQFPITLLQM[Ser4146Phe]IKFANDPPQG

ClinVar aggregate classification (germline): Uncertain significance (1 of 4 stars; one submission).

Conditions:
Primary ciliary dyskinesia. Also called: Ciliary dyskinesia. Identifiers: Orphanet 244, MedGen C0008780, MONDO:0016575, HP:0012265.

Allele frequency attached by ClinVar (database versions not stated): gnomAD exomes 0.00001; ExAC 0.00002.
gnomAD v4.1: 5 of 1,613,984 alleles (0.00031%); highest among the groups gnomAD compares: Non-Finnish European, 0.00042%; no homozygotes.

Submission:

Labcorp Genetics (formerly Invitae), Labcorp
Classification: Uncertain significance for Primary ciliary dyskinesia. Last evaluated: 2022-07-25. Review status: criteria provided, single submitter. Criteria: Invitae Variant Classification Sherloc (09022015). Collection method: clinical testing. Allele origin: germline.
Comment: This sequence change replaces serine, which is neutral and polar, with phenylalanine, which is neutral and non-polar, at codon 4146 of the DNAH5 protein (p.Ser4146Phe). This variant is present in population databases (rs750170721, gnomAD 0.002%). This variant has not been reported in the literature in individuals affected with DNAH5-related conditions. ClinVar contains an entry for this variant (Variation ID: 1018306). Algorithms developed to predict the effect of missense changes on protein structure and function are either unavailable or do not agree on the potential impact of this missense change (SIFT: "Deleterious"; PolyPhen-2: "Possibly Damaging"; Align-GVGD: "Class C0"). In summary, the available evidence is currently insufficient to determine the role of this variant in disease. Therefore, it has been classified as a Variant of Uncertain Significance.